The following is an entry in ClinVar:

NM_138694.4(PKHD1):c.6634del (p.Ala2212fs)

Gene: PKHD1 (PKHD1 ciliary IPT domain containing fibrocystin/polyductin; minus strand). Cytogenetic location: 6p12.2.
Variant type: Deletion.
Coding change: c.6634del on transcript NM_138694.4 (MANE Select); coding-DNA position 6634, one base deleted (G; older notation c.6634delG).
Protein change: p.Ala2212fs; shifts the reading frame from alanine 2212.
Molecular consequence: frameshift variant.
Genome position (GRCh38, 1-based): chr6:51,909,331, C deleted on the plus strand (G on the coding strand, the reverse complement: PKHD1 is on the minus strand). VCF-style (leftmost placement, unchanged base first): chr6-51909330-GC-G. GRCh37 (hg19) VCF-style: chr6-51774128-GC-G.
Other names: c.6634del, p.Ala2212fs (NM_170724.3); short protein forms A2212fs.
Identifiers: ClinVar variation 4816722 (VCV004816722.1).

ClinVar aggregate classification (germline): Likely pathogenic (1 of 4 stars; one submission).

Conditions:
Autosomal recessive polycystic kidney disease (ARPKD). Also called: AR polycystic kidney disease. Identifiers: Orphanet 731, Orphanet 8378, MedGen C0085548, MeSH D017044, MONDO:0009889.

Submission:

Natera, Inc.
Classification: Likely pathogenic for Autosomal recessive polycystic kidney disease. Last evaluated: 2025-08-25. Review status: criteria provided, single submitter. Criteria: Natera Variant Classification Schema (03/2026). Collection method: clinical testing. Allele origin: germline.
Comment: The c.6634del variant in PKHD1 is a frameshift variant predicted to shift the reading frame beginning at codon 2212 and leads to a stop codon 6 codons downstream. This variant is expected to result in nonsense mediated decay, truncation, or a dysfunctional protein product. This variant is rare in the general population with a frequency below the threshold expected for the associated phenotype(s). Given the available evidence, this variant is classified as Likely Pathogenic.